The following is an entry in ClinVar:

ClinVar aggregate classification (germline): Likely benign. Review status: criteria provided, multiple submitters, no conflicts (2 of 4 stars). 3 submissions from 3 submitters: Likely benign (3). Last evaluated 2026-02-11.

Conditions:
SNRNP200-related disorder. Also called: SNRNP200-related condition.

Allele frequency attached by ClinVar (database versions not stated): ESP Exome Variant Server 0.00015.
gnomAD v4.1: 28 of 1,613,996 alleles (0.0017%); highest among the groups gnomAD compares: African/African-American, 0.008%; no homozygotes.

Submissions (3):

PreventionGenetics, part of Exact Sciences
Classification: Likely benign for SNRNP200-related condition. Last evaluated: 2026-02-11. Review status: criteria provided, single submitter. Criteria: ACMG Guidelines, 2015. Collection method: clinical testing. Allele origin: germline.
Comment: This variant is classified as likely benign based on ACMG/AMP sequence variant interpretation guidelines (Richards et al. 2015 PMID: 25741868, with internal and published modifications).

Labcorp Genetics (formerly Invitae), Labcorp
Classification: Likely benign. Last evaluated: 2025-10-01. Review status: criteria provided, single submitter. Criteria: Invitae Variant Classification Sherloc (09022015). Collection method: clinical testing. Allele origin: germline.

Blueprint Genetics
Classification: Likely benign. Last evaluated: 2022-11-16. Review status: criteria provided, single submitter. Criteria: ACMG Guidelines, 2015. Collection method: clinical testing. Allele origin: germline.

NM_014014.5(SNRNP200):c.4797G>A (p.Pro1599=)

Gene: SNRNP200 (small nuclear ribonucleoprotein U5 subunit 200; minus strand). Cytogenetic location: 2q11.2.
Variant type: single nucleotide variant.
Coding change: c.4797G>A on transcript NM_014014.5 (MANE Select); coding-DNA position 4797, G replaced by A.
Protein change: p.Pro1599=; no amino-acid change (proline 1599 retained).
Molecular consequence: synonymous variant.
Genome position (GRCh38, 1-based): chr2:96,283,319, C>T on the plus strand (G>A on the coding strand, the complement: SNRNP200 is on the minus strand). VCF-style: chr2-96283319-C-T. GRCh37 (hg19) VCF-style: chr2-96949057-C-T.
Other names: c.4797G>A (NM_014014.4).
Identifiers: ClinVar variation 1124372 (VCV001124372.11), dbSNP rs373420811, ClinGen allele CA1778127.
Genomic context (GRCh38, chr2:96,283,319, plus strand): 5'-GTAGCCCACCCCATTTAGCAGCGTTTCCTTGAGCGTGCTGTCACTTAGCTTCTCCAGGTA[C>T]GGAATCAGATCCTTCTCGGTGCAGTGCAAGAACCTGTGCGGTACAGGCACTGGCTCAGCT-3'
Protein context (NP_054733.2, residues 1589-1609): FLHCTEKDLI[Pro1599=]YLEKLSDSTL